The following is an entry in ClinVar:

ClinVar aggregate classification (germline): Uncertain significance. Review status: criteria provided, multiple submitters, no conflicts (2 of 4 stars). 4 submissions from 4 submitters: Uncertain significance (3). 1 of the submissions does not count toward it. Last evaluated 2025-01-13.

Conditions:
Familial medullary thyroid carcinoma (MTC). Also called: Thyroid cancer, familial medullary; MTC, familial; Familial Medullary Thyroid Carcinoma (FMTC). Identifiers: Orphanet 653, Orphanet 99361, MedGen C1833921, MONDO:0007958, OMIM 155240.
Hereditary insensitivity to pain with anhidrosis (CIPA). Also called: INSENSITIVITY TO PAIN, CONGENITAL, WITH ANHIDROSIS; HSAN Type IV; NTRK1 Congenital Insensitivity to Pain with Anhidrosis; FAMILIAL DYSAUTONOMIA, TYPE II; NEUROPATHY, CONGENITAL SENSORY, WITH ANHIDROSIS; hereditary sensory and autonomic neuropathy type 4. Identifiers: Orphanet 642, MedGen C0020074, MONDO:0009746, OMIM 256800.

Allele frequency attached by ClinVar (database versions not stated): gnomAD exomes 0.00001; ExAC 0.00002; gnomAD 0.00003 and 0.00004; TOPMed 0.00008.
gnomAD v4.1: 46 of 1,613,326 alleles (0.0029%); highest among the groups gnomAD compares: Admixed American, 0.0067%; no homozygotes.

Submissions (4):

Labcorp Genetics (formerly Invitae), Labcorp
Classification: Uncertain significance for Hereditary insensitivity to pain with anhidrosis. Last evaluated: 2025-01-13. Review status: criteria provided, single submitter. Criteria: Invitae Variant Classification Sherloc (09022015). Collection method: clinical testing. Allele origin: germline.
Comment: This sequence change replaces arginine, which is basic and polar, with cysteine, which is neutral and slightly polar, at codon 119 of the NTRK1 protein (p.Arg119Cys). This variant is present in population databases (rs757031354, gnomAD 0.002%). This variant has not been reported in the literature in individuals affected with NTRK1-related conditions. ClinVar contains an entry for this variant (Variation ID: 584595). Invitae Evidence Modeling of protein sequence and biophysical properties (such as structural, functional, and spatial information, amino acid conservation, physicochemical variation, residue mobility, and thermodynamic stability) indicates that this missense variant is not expected to disrupt NTRK1 protein function with a negative predictive value of 95%. In summary, the available evidence is currently insufficient to determine the role of this variant in disease. Therefore, it has been classified as a Variant of Uncertain Significance.

Genome-Nilou Lab
Classification: Uncertain significance for Hereditary insensitivity to pain with anhidrosis. Last evaluated: 2023-04-11. Review status: criteria provided, single submitter. Criteria: ACMG Guidelines, 2015. Collection method: clinical testing. Allele origin: germline. Affected: no.

Mendelics
Classification: Uncertain significance for Familial medullary thyroid carcinoma. Last evaluated: 2018-07-02. Review status: criteria provided, single submitter. Criteria: Mendelics Assertion Criteria 2017. Collection method: clinical testing. Allele origin: unknown.

Natera, Inc.
Classification: Uncertain significance for Hereditary insensitivity to pain with anhidrosis. Last evaluated: 2020-09-16. Review status: no assertion criteria provided. Collection method: clinical testing. Allele origin: germline. Not counted in ClinVar's aggregate classification.

NM_002529.4(NTRK1):c.355C>T (p.Arg119Cys)

Gene: NTRK1 (neurotrophic receptor tyrosine kinase 1; plus strand). Cytogenetic location: 1q23.1.
Variant type: single nucleotide variant.
Coding change: c.355C>T on transcript NM_002529.4 (MANE Select); coding-DNA position 355, C replaced by T.
Protein change: p.Arg119Cys; replaces arginine 119 with cysteine.
Molecular consequence: missense variant.
Genome position (GRCh38, 1-based): chr1:156,864,795, C>T. VCF-style: chr1-156864795-C-T. GRCh37 (hg19) VCF-style: chr1-156834587-C-T.
Other names: c.265C>T, p.Arg89Cys (NM_001007792.1); c.355C>T, p.Arg119Cys (NM_001012331.2); short protein forms R119C, R89C.
Identifiers: ClinVar variation 584595 (VCV000584595.8), dbSNP rs757031354, ClinGen allele CA1168921.